The following is an entry in ClinVar:

NM_001201543.2(FAM161A):c.1922T>C (p.Phe641Ser)

Gene: FAM161A (FAM161 centrosomal protein A; minus strand). Cytogenetic location: 2p15.
Variant type: single nucleotide variant.
Coding change: c.1922T>C on transcript NM_001201543.2 (MANE Select); coding-DNA position 1922, T replaced by C.
Protein change: p.Phe641Ser; replaces phenylalanine 641 with serine.
Molecular consequence: missense variant. On other transcripts: non-coding transcript variant (1).
Genome position (GRCh38, 1-based): chr2:61,827,188, A>G on the plus strand (T>C on the coding strand, the complement: FAM161A is on the minus strand). VCF-style: chr2-61827188-A-G. GRCh37 (hg19) VCF-style: chr2-62054323-A-G.
Other names: c.1754T>C, p.Phe585Ser (NM_032180.3); short protein forms F641S, F585S.
Identifiers: ClinVar variation 1390088 (VCV001390088.6), dbSNP rs1449379145, ClinGen allele CA346984710.

ClinVar aggregate classification (germline): Uncertain significance. Review status: criteria provided, multiple submitters, no conflicts (2 of 4 stars). 2 submissions from 2 submitters: Uncertain significance (2). Last evaluated 2021-08-24.

Allele frequency attached by ClinVar (database versions not stated): gnomAD exomes below 0.00001 and 0.00001; TOPMed 0.00002.
gnomAD v4.1: 4 of 1,613,998 alleles (0.00025%); highest among the groups gnomAD compares: Non-Finnish European, 0.00034%; no homozygotes.

Submissions (2):

Labcorp Genetics (formerly Invitae), Labcorp
Classification: Uncertain significance. Last evaluated: 2021-08-24. Review status: criteria provided, single submitter. Criteria: Invitae Variant Classification Sherloc (09022015). Collection method: clinical testing. Allele origin: germline.
Comment: This sequence change replaces phenylalanine with serine at codon 641 of the FAM161A protein (p.Phe641Ser). The phenylalanine residue is moderately conserved and there is a large physicochemical difference between phenylalanine and serine. This variant is not present in population databases (ExAC no frequency). This variant has not been reported in the literature in individuals affected with FAM161A-related conditions. Algorithms developed to predict the effect of missense changes on protein structure and function are either unavailable or do not agree on the potential impact of this missense change (SIFT: "Tolerated"; PolyPhen-2: "Probably Damaging"; Align-GVGD: "Class C0"). In summary, the available evidence is currently insufficient to determine the role of this variant in disease. Therefore, it has been classified as a Variant of Uncertain Significance.

Blueprint Genetics
Classification: Uncertain significance. Last evaluated: 2019-12-22. Review status: criteria provided, single submitter. Criteria: ACMG Guidelines, 2015. Collection method: clinical testing. Allele origin: germline.